The following is an entry in ClinVar:

NM_000444.6(PHEX):c.1174-14A>G

Gene: PHEX (phosphate regulating endopeptidase X-linked; plus strand). Cytogenetic location: Xp22.11.
Variant type: single nucleotide variant.
Coding change: c.1174-14A>G on transcript NM_000444.6 (MANE Select); 14 bases into the intron before coding-DNA position 1174, A replaced by G.
Molecular consequence: intron variant.
Genome position (GRCh38, 1-based): chrX:22,114,444, A>G. VCF-style: chrX-22114444-A-G. GRCh37 (hg19) VCF-style: chrX-22132562-A-G.
Other names: c.1174-14A>G (NM_001282754.2).
Identifiers: ClinVar variation 1970778 (VCV001970778.5), dbSNP rs1215274130, ClinGen allele CA640413751.

ClinVar aggregate classification (germline): Uncertain significance (1 of 4 stars; one submission).

Allele frequency attached by ClinVar (database versions not stated): gnomAD exomes 0.00001; TOPMed 0.00002.
gnomAD v4.1: 12 of 1,203,678 alleles (0.001%); highest among the groups gnomAD compares: Middle Eastern, 0.023%; no homozygotes.

Submission:

Labcorp Genetics (formerly Invitae), Labcorp
Classification: Uncertain significance. Last evaluated: 2024-06-12. Review status: criteria provided, single submitter. Criteria: Invitae Variant Classification Sherloc (09022015). Collection method: clinical testing. Allele origin: germline.
Comment: This sequence change falls in intron 10 of the PHEX gene. It does not directly change the encoded amino acid sequence of the PHEX protein. This variant is not present in population databases (gnomAD no frequency). This variant has not been reported in the literature in individuals affected with PHEX-related conditions. ClinVar contains an entry for this variant (Variation ID: 1970778). Algorithms developed to predict the effect of sequence changes on RNA splicing suggest that this variant may disrupt the consensus splice site. In summary, the available evidence is currently insufficient to determine the role of this variant in disease. Therefore, it has been classified as a Variant of Uncertain Significance.